The following is an entry in ClinVar:

Single allele

Genes: CRTAM (cytotoxic and regulatory T cell molecule; plus strand), LOC130006966 (ATAC-STARR-seq lymphoblastoid active region 5670; plus strand), LOC130006967 (ATAC-STARR-seq lymphoblastoid active region 5671; plus strand), LOC130006968 (ATAC-STARR-seq lymphoblastoid active region 5672; plus strand), LOC130006969 (ATAC-STARR-seq lymphoblastoid active region 5673; plus strand) and 1 more. Cytogenetic location: 11q24.1.
Variant type: Deletion.
Identifiers: ClinVar variation 157230 (VCV000157230.2).

ClinVar aggregate classification (germline): not provided (0 of 4 stars; one submission).

Conditions:
Gestational diabetes mellitus uncontrolled. Identifiers: MedGen C3532257.

Submission:

Institute of Molecular and Cell Biology, University of Tartu
No classification provided. Condition: Gestational diabetes mellitus uncontrolled. Review status: no classification provided. Collection method: case-control. Allele origin: unknown. Affected: yes. Study: Kasak2014.
Comment: The study aimed to determine the contribution of copy number variants in the genetic etiology of normal and complicated pregnancies. The samples represented (i) maternal blood DNA drawn from healthy pregnant women during 1st or 2nd trimester and (ii) maternal and paternal blood DNA drawn at term pregnancy cases representing normal and complicated gestations (severe preeclampsia, PE; gestational diabetes, GD; small-for-gestational age newborn, SGA; large-for-gestational age newborn, LGA). We performed CNV calling based on genome-wide genotyping dataset (Illumina HumanOmniExpress-24-v1 BeadChip) by applying three algorithms, QuantiSNP, GADA (Genome Alteration Detection Algorithm) and CNstream in parallel. The acquired CNV calls were merged with HD-CNV (Hotspot Detector for Copy Number Variants) program and only the CNVs predicted by at least two programs, were considered in subsequent analysis.

Literature cited by the submitters: PubMed 25666259.